The following is an entry in ClinVar:

ClinVar aggregate classification (germline): Likely pathogenic (1 of 4 stars; one submission).

Conditions:
Amelogenesis imperfecta type 1H. Also called: Amelogenesis imperfecta, type IH. Identifiers: Orphanet 88661, MedGen C4015557, MONDO:0014540, OMIM 616221.

Submission:

Juno Genomics, Hangzhou Juno Genomics, Inc
Classification: Likely pathogenic for Amelogenesis imperfecta type 1H. Review status: criteria provided, single submitter. Criteria: ACMG Guidelines, 2015. Collection method: clinical testing. Allele origin: germline.
Comment: Absent from controls (or at extremely low frequency if recessive) in Genome Aggregation Database.;Null variant in a gene where loss of function (LOF) is a known mechanism of disease.

NM_000888.5(ITGB6):c.411C>A (p.Tyr137Ter)

Gene: ITGB6 (integrin subunit beta 6; minus strand). Cytogenetic location: 2q24.2.
Variant type: single nucleotide variant.
Coding change: c.411C>A on transcript NM_000888.5 (MANE Select); coding-DNA position 411, C replaced by A.
Protein change: p.Tyr137Ter; replaces tyrosine 137 with a stop codon.
Molecular consequence: nonsense. On other transcripts: 5 prime UTR variant (1).
Genome position (GRCh38, 1-based): chr2:160,195,551, G>T on the plus strand (C>A on the coding strand, the complement: ITGB6 is on the minus strand). VCF-style: chr2-160195551-G-T. GRCh37 (hg19) VCF-style: chr2-161052062-G-T.
Other names: c.411C>A, p.Tyr137Ter (NM_001282353.2, NM_001282355.2); c.126C>A, p.Tyr42Ter (NM_001282354.2); c.285C>A, p.Tyr95Ter (NM_001282388.2); c.192C>A, p.Tyr64Ter (NM_001282389.2); c.-4C>A (NM_001282390.2); short protein forms Y137*, Y42*, Y64*, Y95*.
Identifiers: ClinVar variation 5019622 (VCV005019622.2).